The following is an entry in ClinVar:

ClinVar aggregate classification (germline): Uncertain significance (1 of 4 stars; one submission).

Allele frequency attached by ClinVar (database versions not stated): gnomAD exomes below 0.00001.
gnomAD v4.1: 6 of 1,608,014 alleles (0.00037%); highest among the groups gnomAD compares: Non-Finnish European, 0.00051%; no homozygotes.

Submission:

Labcorp Genetics (formerly Invitae), Labcorp
Classification: Uncertain significance. Last evaluated: 2022-03-11. Review status: criteria provided, single submitter. Criteria: Invitae Variant Classification Sherloc (09022015). Collection method: clinical testing. Allele origin: germline.
Comment: This sequence change replaces serine, which is neutral and polar, with asparagine, which is neutral and polar, at codon 917 of the COL7A1 protein (p.Ser917Asn). This variant is present in population databases (no rsID available, gnomAD 0.001%). This variant has not been reported in the literature in individuals affected with COL7A1-related conditions. Advanced modeling of protein sequence and biophysical properties (such as structural, functional, and spatial information, amino acid conservation, physicochemical variation, residue mobility, and thermodynamic stability) performed at Invitae indicates that this missense variant is not expected to disrupt COL7A1 protein function. In summary, the available evidence is currently insufficient to determine the role of this variant in disease. Therefore, it has been classified as a Variant of Uncertain Significance.

NM_000094.4(COL7A1):c.2750G>A (p.Ser917Asn)

Gene: COL7A1 (collagen type VII alpha 1 chain; minus strand). Cytogenetic location: 3p21.31.
Variant type: single nucleotide variant.
Coding change: c.2750G>A on transcript NM_000094.4 (MANE Select); coding-DNA position 2750, G replaced by A.
Protein change: p.Ser917Asn; replaces serine 917 with asparagine.
Molecular consequence: missense variant.
Genome position (GRCh38, 1-based): chr3:48,587,900, C>T on the plus strand (G>A on the coding strand, the complement: COL7A1 is on the minus strand). VCF-style: chr3-48587900-C-T. GRCh37 (hg19) VCF-style: chr3-48625333-C-T.
Other names: short protein forms S917N.
Identifiers: ClinVar variation 1407549 (VCV001407549.6), dbSNP rs1205999989, ClinGen allele CA352716354.
Genomic context (GRCh38, chr3:48,587,900, plus strand): 5'-AGGACACTCAGCCTCACGCGGTACTGTGTCGCTGGCTCCAGCCCGTCCAGGTGATAGCTG[C>T]TGAGCTCGGGCCCCAGGACCCGGGACTGTTCCTGGCCACCTGGGGCAGGCGTGAGGGTGG-3'
Protein context (NP_000085.1, residues 907-927): EQSRVLGPEL[Ser917Asn]SYHLDGLEPA